The following is an entry in ClinVar:

NM_004715.5(CTDP1):c.1075G>A (p.Val359Met)

Gene: CTDP1 (CTD phosphatase subunit 1; plus strand). Cytogenetic location: 18q23.
Variant type: single nucleotide variant.
Coding change: c.1075G>A on transcript NM_004715.5 (MANE Select); coding-DNA position 1075, G replaced by A.
Protein change: p.Val359Met; replaces valine 359 with methionine.
Molecular consequence: missense variant.
Genome position (GRCh38, 1-based): chr18:79,714,535, G>A. VCF-style: chr18-79714535-G-A. GRCh37 (hg19) VCF-style: chr18-77474535-G-A.
Other names: p.Val359Met; c.1075G>A, p.Val359Met (NM_048368.4, NM_001318511.2); c.718G>A, p.Val240Met (NM_001202504.1); short protein forms V240M, V359M.
Identifiers: ClinVar variation 4542273 (VCV004542273.1).

ClinVar aggregate classification (germline): Uncertain significance (1 of 4 stars; one submission).

gnomAD v4.1: 59 of 1,613,156 alleles (0.0037%); highest among the groups gnomAD compares: African/African-American, 0.039%; no homozygotes.

Submission:

Mayo Clinic Laboratories, Mayo Clinic
Classification: Uncertain significance. Last evaluated: 2025-03-14. Review status: criteria provided, single submitter. Criteria: ACMG Guidelines, 2015. Collection method: clinical testing. Allele origin: germline. Observed: 1 variant allele.
Comment: BP4_moderate